The following is an entry in ClinVar:

ClinVar aggregate classification (germline): Likely benign. Review status: criteria provided, multiple submitters, no conflicts (2 of 4 stars). 2 submissions from 2 submitters: Likely benign (2). Last evaluated 2025-09-01.

Submissions (2):

CeGaT Center for Human Genetics Tuebingen
Classification: Likely benign. Last evaluated: 2025-09-01. Review status: criteria provided, single submitter. Criteria: CeGaT Center For Human Genetics Tuebingen Variant Classification Criteria Version 2. Collection method: clinical testing. Allele origin: germline. Affected: yes. Observed: 1 variant allele.
Comment: HERC1: PM2:Supporting, BP4, BP7

Labcorp Genetics (formerly Invitae), Labcorp
Classification: Likely benign. Last evaluated: 2023-07-28. Review status: criteria provided, single submitter. Criteria: Invitae Variant Classification Sherloc (09022015). Collection method: clinical testing. Allele origin: germline.

NM_003922.4(HERC1):c.2721A>T (p.Ser907=)

Gene: HERC1 (HECT and RLD domain containing E3 ubiquitin protein ligase family member 1; minus strand). Cytogenetic location: 15q22.31.
Variant type: single nucleotide variant.
Coding change: c.2721A>T on transcript NM_003922.4 (MANE Select); coding-DNA position 2721, A replaced by T.
Protein change: p.Ser907=; no amino-acid change (serine 907 retained).
Molecular consequence: synonymous variant.
Genome position (GRCh38, 1-based): chr15:63,733,071, T>A on the plus strand (A>T on the coding strand, the complement: HERC1 is on the minus strand). VCF-style: chr15-63733071-T-A. GRCh37 (hg19) VCF-style: chr15-64025270-T-A.
Identifiers: ClinVar variation 1960653 (VCV001960653.12), dbSNP rs1007487797, ClinGen allele CA272112807.